The following is an entry in ClinVar:

ClinVar aggregate classification (germline): Uncertain significance (1 of 4 stars; one submission).

Conditions:
RYR1-related disorder. Also called: RYR1-related condition; RYR1-related disorders. Identifiers: MedGen CN239331.

Submission:

Labcorp Genetics (formerly Invitae), Labcorp
Classification: Uncertain significance for RYR1-related disorder. Last evaluated: 2024-08-12. Review status: criteria provided, single submitter. Criteria: Invitae Variant Classification Sherloc (09022015). Collection method: clinical testing. Allele origin: germline.
Comment: This sequence change replaces leucine, which is neutral and non-polar, with phenylalanine, which is neutral and non-polar, at codon 2460 of the RYR1 protein (p.Leu2460Phe). This variant is not present in population databases (gnomAD no frequency). This variant has not been reported in the literature in individuals affected with RYR1-related conditions. ClinVar contains an entry for this variant (Variation ID: 1364360). Advanced modeling of protein sequence and biophysical properties (such as structural, functional, and spatial information, amino acid conservation, physicochemical variation, residue mobility, and thermodynamic stability) performed at Invitae indicates that this missense variant is expected to disrupt RYR1 protein function with a positive predictive value of 95%. In summary, the available evidence is currently insufficient to determine the role of this variant in disease. Therefore, it has been classified as a Variant of Uncertain Significance.

NM_000540.3(RYR1):c.7378C>T (p.Leu2460Phe)

Gene: RYR1 (ryanodine receptor 1; plus strand). Cytogenetic location: 19q13.2.
Variant type: single nucleotide variant.
Coding change: c.7378C>T on transcript NM_000540.3 (MANE Select); coding-DNA position 7378, C replaced by T.
Protein change: p.Leu2460Phe; replaces leucine 2460 with phenylalanine.
Molecular consequence: missense variant.
Genome position (GRCh38, 1-based): chr19:38,500,660, C>T. VCF-style: chr19-38500660-C-T. GRCh37 (hg19) VCF-style: chr19-38991300-C-T.
Other names: c.7378C>T, p.Leu2460Phe (NM_001042723.2); short protein forms L2460F.
Identifiers: ClinVar variation 1364360 (VCV001364360.7), dbSNP rs2145605039, ClinGen allele CA405670047.
Genomic context (GRCh38, chr19:38,500,660, plus strand): 5'-CCCCAGCTAATCCAAGCCGGCAAGGGTGAGGCCCTGCGGATCCGCGCCATCCTCCGCTCC[C>T]TTGTGCCCTTGGAGGACCTTGTGGGCATCATCAGCCTCCCACTGCAGATTCCCACCCTGG-3'
Protein context (NP_000531.2, residues 2450-2470): ALRIRAILRS[Leu2460Phe]VPLEDLVGII